The following is an entry in ClinVar:

ClinVar aggregate classification (germline): Uncertain significance (1 of 4 stars; one submission).

gnomAD v4.1: 2 of 1,613,198 alleles (0.00012%); highest among the groups gnomAD compares: Admixed American, 0.0033%; no homozygotes.

Submission:

Ambry Genetics
Classification: Uncertain significance. Last evaluated: 2025-05-25. Review status: criteria provided, single submitter. Criteria: Ambry Variant Classification Scheme 2023. Collection method: clinical testing. Allele origin: germline.
Comment: The p.E145G variant (also known as c.434A>G), located in coding exon 4 of the IKBKAP gene, results from an A to G substitution at nucleotide position 434. The glutamic acid at codon 145 is replaced by glycine, an amino acid with similar properties. This amino acid position is conserved. In addition, the in silico prediction for this alteration is inconclusive. Based on the available evidence, the clinical significance of this variant remains unclear.

NM_003640.5(ELP1):c.434A>G (p.Glu145Gly)

Gene: ELP1 (elongator acetyltransferase complex subunit 1; minus strand). Cytogenetic location: 9q31.3.
Variant type: single nucleotide variant.
Coding change: c.434A>G on transcript NM_003640.5 (MANE Select); coding-DNA position 434, A replaced by G.
Protein change: p.Glu145Gly; replaces glutamic acid 145 with glycine.
Molecular consequence: missense variant. On other transcripts: 5 prime UTR variant (1).
Genome position (GRCh38, 1-based): chr9:108,926,555, T>C on the plus strand (A>G on the coding strand, the complement: ELP1 is on the minus strand). VCF-style: chr9-108926555-T-C. GRCh37 (hg19) VCF-style: chr9-111688835-T-C.
Other names: c.92A>G, p.Glu31Gly (NM_001318360.2); c.-426A>G (NM_001330749.2); short protein forms E145G, E31G.
Identifiers: ClinVar variation 4017661 (VCV004017661.1).
Genomic context (GRCh38, chr9:108,926,555, plus strand): 5'-ACAAAATATTGCACAAAGCTATACTTACTTTCACCAAAATCATCCTGATGGATCTGCTGC[T>C]CCAGGATTGGCTCAAAATCTTTTGTCATCATAATCAGGGTCTGTTGACCTTAGAGAAACA-3'
Protein context (NP_003631.2, residues 135-155): MMTKDFEPIL[Glu145Gly]QQIHQDDFGE